The following is an entry in ClinVar:

ClinVar aggregate classification (germline): Uncertain significance. Review status: criteria provided, multiple submitters, no conflicts (2 of 4 stars). 3 submissions from 3 submitters: Uncertain significance (3). Last evaluated 2025-06-17.

Conditions:
Episodic pain syndrome, familial, 2 (FEPS2). Identifiers: Orphanet 306577, MedGen C3809893, MONDO:0014246, OMIM 615551.
Brugada syndrome. Also called: Sudden Unexplained Death Syndrome; Sudden Unexplained Nocturnal Death Syndrome (SUNDS); Sudden unexpected nocturnal death syndrome; Sudden unexplained nocturnal death syndrome. Identifiers: Orphanet 130, MedGen C1142166, MONDO:0015263.
Cardiovascular phenotype. Identifiers: MedGen CN230736.

Allele frequency attached by ClinVar (database versions not stated): gnomAD 0.00001; gnomAD exomes 0.00001; TOPMed 0.00002.
gnomAD v4.1: 7 of 1,614,002 alleles (0.00043%); highest among the groups gnomAD compares: Admixed American, 0.0033%; no homozygotes.

Submissions (3):

Labcorp Genetics (formerly Invitae), Labcorp
Classification: Uncertain significance for Brugada syndrome. Last evaluated: 2025-06-17. Review status: criteria provided, single submitter. Criteria: Invitae Variant Classification Sherloc (09022015). Collection method: clinical testing. Allele origin: germline.
Comment: This sequence change replaces asparagine, which is neutral and polar, with serine, which is neutral and polar, at codon 1726 of the SCN10A protein (p.Asn1726Ser). This variant is present in population databases (no rsID available, gnomAD 0.0009%). This variant has not been reported in the literature in individuals affected with SCN10A-related conditions. ClinVar contains an entry for this variant (Variation ID: 1346620). Invitae Evidence Modeling of protein sequence and biophysical properties (such as structural, functional, and spatial information, amino acid conservation, physicochemical variation, residue mobility, and thermodynamic stability) indicates that this missense variant is not expected to disrupt SCN10A protein function with a negative predictive value of 80%. In summary, the available evidence is currently insufficient to determine the role of this variant in disease. Therefore, it has been classified as a Variant of Uncertain Significance.

Fulgent Genetics
Classification: Uncertain significance for Episodic pain syndrome, familial, 2. Last evaluated: 2021-09-24. Review status: criteria provided, single submitter. Criteria: ACMG Guidelines, 2015. Collection method: clinical testing. Allele origin: unknown.

Ambry Genetics
Classification: Uncertain significance for Cardiovascular phenotype. Last evaluated: 2020-10-01. Review status: criteria provided, single submitter. Criteria: Ambry Variant Classification Scheme 2023. Collection method: clinical testing. Allele origin: germline.
Comment: The p.N1726S variant (also known as c.5177A>G), located in coding exon 27 of the SCN10A gene, results from an A to G substitution at nucleotide position 5177. The asparagine at codon 1726 is replaced by serine, an amino acid with highly similar properties. This amino acid position is not well conserved in available vertebrate species. In addition, this alteration is predicted to be tolerated by in silico analysis. Since supporting evidence is limited at this time, the clinical significance of this alteration remains unclear.

NM_006514.4(SCN10A):c.5177A>G (p.Asn1726Ser)

Gene: SCN10A (sodium voltage-gated channel alpha subunit 10; minus strand). Cytogenetic location: 3p22.2.
Variant type: single nucleotide variant.
Coding change: c.5177A>G on transcript NM_006514.4 (MANE Select); coding-DNA position 5177, A replaced by G.
Protein change: p.Asn1726Ser; replaces asparagine 1726 with serine.
Molecular consequence: missense variant.
Genome position (GRCh38, 1-based): chr3:38,698,043, T>C on the plus strand (A>G on the coding strand, the complement: SCN10A is on the minus strand). VCF-style: chr3-38698043-T-C. GRCh37 (hg19) VCF-style: chr3-38739534-T-C.
Other names: c.5174A>G, p.Asn1725Ser (NM_001293306.2); c.4883A>G, p.Asn1628Ser (NM_001293307.2); short protein forms N1725S, N1726S, N1628S.
Identifiers: ClinVar variation 1346620 (VCV001346620.8), dbSNP rs1420941706, ClinGen allele CA352154336.